The following is an entry in ClinVar:

NM_020207.7(ERCC6L2):c.1556A>G (p.His519Arg)

Gene: ERCC6L2 (ERCC excision repair 6 like 2; plus strand). Cytogenetic location: 9q22.32.
Variant type: single nucleotide variant.
Coding change: c.1556A>G on transcript NM_020207.7 (MANE Select); coding-DNA position 1556, A replaced by G.
Protein change: p.His519Arg; replaces histidine 519 with arginine.
Molecular consequence: missense variant. On other transcripts: non-coding transcript variant (1).
Genome position (GRCh38, 1-based): chr9:95,928,101, A>G. VCF-style: chr9-95928101-A-G. GRCh37 (hg19) VCF-style: chr9-98690383-A-G.
Other names: c.1556A>G, p.His519Arg (NM_001010895.4, NM_001375291.1, NM_001375292.1 and 2 more transcripts); short protein forms H519R.
Identifiers: ClinVar variation 4250546 (VCV004250546.1).

ClinVar aggregate classification (germline): Uncertain significance (1 of 4 stars; one submission).

Conditions:
Inborn genetic diseases. Identifiers: MedGen C0950123, MeSH D030342.

Submission:

Ambry Genetics
Classification: Uncertain significance for Inborn genetic diseases. Last evaluated: 2025-06-20. Review status: criteria provided, single submitter. Criteria: Ambry Variant Classification Scheme 2023. Collection method: clinical testing. Allele origin: germline.
Comment: The p.H519R variant (also known as c.1556A>G), located in coding exon 10 of the ERCC6L2 gene, results from an A to G substitution at nucleotide position 1556. The histidine at codon 519 is replaced by arginine, an amino acid with highly similar properties. This amino acid position is conserved. In addition, this alteration is predicted to be tolerated by in silico analysis. Based on the available evidence, the clinical significance of this variant remains unclear.